The following is an entry in ClinVar:

NM_001385012.1(NBEA):c.2145G>A (p.Glu715=)

Gene: NBEA (neurobeachin; plus strand). Cytogenetic location: 13q13.3.
Variant type: single nucleotide variant.
Coding change: c.2145G>A on transcript NM_001385012.1 (MANE Select); coding-DNA position 2145, G replaced by A.
Protein change: p.Glu715=; no amino-acid change (glutamic acid 715 retained).
Molecular consequence: synonymous variant.
Genome position (GRCh38, 1-based): chr13:35,118,290, G>A. VCF-style: chr13-35118290-G-A. GRCh37 (hg19) VCF-style: chr13-35692427-G-A.
Other names: c.2145G>A, p.Glu715= (NM_001379245.1, NM_015678.5).
Identifiers: ClinVar variation 3899660 (VCV003899660.1).

ClinVar aggregate classification (germline): Uncertain significance (1 of 4 stars; one submission).

Submission:

GeneDx
Classification: Uncertain significance. Last evaluated: 2024-11-13. Review status: criteria provided, single submitter. Criteria: GeneDx Variant Classification Process June 2021. Collection method: clinical testing. Allele origin: germline. Affected: yes.
Comment: Not observed at significant frequency in large population cohorts (gnomAD); In silico analysis supports a deleterious effect on splicing; Has not been previously published as pathogenic or benign to our knowledge